The following is an entry in ClinVar:

NM_013262.4(MYLIP):c.1090G>A (p.Glu364Lys)

Gene: MYLIP (myosin regulatory light chain interacting protein; plus strand). Cytogenetic location: 6p22.3.
Variant type: single nucleotide variant.
Coding change: c.1090G>A on transcript NM_013262.4 (MANE Select); coding-DNA position 1090, G replaced by A.
Protein change: p.Glu364Lys; replaces glutamic acid 364 with lysine.
Molecular consequence: missense variant.
Genome position (GRCh38, 1-based): chr6:16,145,159, G>A. VCF-style: chr6-16145159-G-A. GRCh37 (hg19) VCF-style: chr6-16145390-G-A.
Other names: short protein forms E364K.
Identifiers: ClinVar variation 2203061 (VCV002203061.4), dbSNP rs377351131, ClinGen allele CA3644637.
Genomic context (GRCh38, chr6:16,145,159, plus strand): 5'-CAGAGCCCTTCACACTCGCCTCTGAAGTCCTCAGAAAGCAGCATGAACTGCAGCAGCTGC[G>A]AGGGCCTCAGCTGCCAGCAGACCCGGGTGCTGCAGGAGAAGCTACGCAAGCTGAAGGAAG-3'
Protein context (NP_037394.2, residues 354-374): SESSMNCSSC[Glu364Lys]GLSCQQTRVL

ClinVar aggregate classification (germline): Uncertain significance (1 of 4 stars; one submission).

Allele frequency attached by ClinVar (database versions not stated): gnomAD exomes 0.00004; ExAC 0.00006; ESP Exome Variant Server 0.00008; TOPMed 0.00013; gnomAD 0.00016.

Submission:

Labcorp Genetics (formerly Invitae), Labcorp
Classification: Uncertain significance. Last evaluated: 2023-09-04. Review status: criteria provided, single submitter. Criteria: Invitae Variant Classification Sherloc (09022015). Collection method: clinical testing. Allele origin: germline.
Comment: In summary, the available evidence is currently insufficient to determine the role of this variant in disease. Therefore, it has been classified as a Variant of Uncertain Significance. An algorithm developed to predict the effect of missense changes on protein structure and function (PolyPhen-2) suggests that this variant is likely to be tolerated. ClinVar contains an entry for this variant (Variation ID: 2203061). This variant has not been reported in the literature in individuals affected with MYLIP-related conditions. This variant is present in population databases (rs377351131, gnomAD 0.06%), and has an allele count higher than expected for a pathogenic variant. This sequence change replaces glutamic acid, which is acidic and polar, with lysine, which is basic and polar, at codon 364 of the MYLIP protein (p.Glu364Lys).